The following is an entry in ClinVar:

ClinVar aggregate classification (germline): Likely benign (0 of 4 stars; one submission).

Conditions:
OSGEP-related disorder. Also called: OSGEP-related condition.

Allele frequency attached by ClinVar (database versions not stated): TOPMed below 0.00001.

Submission:

PreventionGenetics, part of Exact Sciences
Classification: Likely benign for OSGEP-related condition. Last evaluated: 2024-02-13. Review status: no assertion criteria provided. Collection method: clinical testing. Allele origin: germline.
Comment: This variant is classified as likely benign based on ACMG/AMP sequence variant interpretation guidelines (Richards et al. 2015 PMID: 25741868, with internal and published modifications).

NM_017807.4(OSGEP):c.968+7G>C

Gene: OSGEP (O-sialoglycoprotein endopeptidase; minus strand). Cytogenetic location: 14q11.2.
Variant type: single nucleotide variant.
Coding change: c.968+7G>C on transcript NM_017807.4 (MANE Select); 7 bases into the intron after coding-DNA position 968, G replaced by C.
Molecular consequence: intron variant.
Genome position (GRCh38, 1-based): chr14:20,447,415, C>G on the plus strand (G>C on the coding strand, the complement: OSGEP is on the minus strand). VCF-style: chr14-20447415-C-G. GRCh37 (hg19) VCF-style: chr14-20915574-C-G.
Identifiers: ClinVar variation 3032320 (VCV003032320.2), dbSNP rs545594605, ClinGen allele CA704061983.
Genomic context (GRCh38, chr14:20,447,415, plus strand): 5'-GGACTCTTCCCTGCTGTTTTTGTCTATGTCCCAATAATCTACCCTCACCAAGAGGTGAAT[C>G]ACTCACCTCTGTGTAACCCCAGAATCACTGAGTGGGGTCCTGTGTCCAGCCCGAAACATC-3'